The following is an entry in ClinVar:

NM_001037132.4(NRCAM):c.3538C>T (p.Leu1180Phe)

Gene: NRCAM (neuronal cell adhesion molecule; minus strand). Cytogenetic location: 7q31.1.
Variant type: single nucleotide variant.
Coding change: c.3538C>T on transcript NM_001037132.4 (MANE Select); coding-DNA position 3538, C replaced by T.
Protein change: p.Leu1180Phe; replaces leucine 1180 with phenylalanine.
Molecular consequence: missense variant. On other transcripts: non-coding transcript variant (5).
Genome position (GRCh38, 1-based): chr7:108,160,421, G>A on the plus strand (C>T on the coding strand, the complement: NRCAM is on the minus strand). VCF-style: chr7-108160421-G-A. GRCh37 (hg19) VCF-style: chr7-107800866-G-A.
Other names: c.3259C>T, p.Leu1087Phe (NM_001193582.2, NM_001371128.1, NM_001371144.1 and 1 more transcripts); c.3202C>T, p.Leu1068Phe (NM_001193583.2, NM_001371122.1, NM_001371139.1 and 7 more transcripts); c.3166C>T, p.Leu1056Phe (NM_001193584.2, NM_001371162.1); c.3490C>T, p.Leu1164Phe (NM_001371119.1); c.3268C>T, p.Leu1090Phe (NM_001371123.1, NM_001371149.1); c.3481C>T, p.Leu1161Phe (NM_001371124.1, NM_001371126.1, NM_001371172.1); c.2914C>T, p.Leu972Phe (NM_001371125.1, NM_001371147.1); c.3256C>T, p.Leu1086Phe (NM_001371127.1); and 24 more; short protein forms L1056F, L1071F, L1098F, L1119F, L1126F, L1161F, L1168F, L1058F.
Identifiers: ClinVar variation 2475665 (VCV002475665.2), dbSNP rs2048185763, ClinGen allele CA368879840.

ClinVar aggregate classification (germline): Uncertain significance (1 of 4 stars; one submission).

Conditions:
Inborn genetic diseases. Identifiers: MedGen C0950123, MeSH D030342.

Allele frequency attached by ClinVar (database versions not stated): gnomAD exomes below 0.00001; gnomAD 0.00001.
gnomAD v4.1: 2 of 1,613,484 alleles (0.00012%); highest among the groups gnomAD compares: Admixed American, 0.0017%; no homozygotes.

Submission:

Ambry Genetics
Classification: Uncertain significance for Inborn genetic diseases. Last evaluated: 2023-01-11. Review status: criteria provided, single submitter. Criteria: Ambry Variant Classification Scheme 2023. Collection method: clinical testing. Allele origin: germline.
Comment: The c.3538C>T (p.L1180F) alteration is located in exon 28 (coding exon 28) of the NRCAM gene. This alteration results from a C to T substitution at nucleotide position 3538, causing the leucine (L) at amino acid position 1180 to be replaced by a phenylalanine (F). This variant was not reported in population-based cohorts in the Genome Aggregation Database (gnomAD). This amino acid position is highly conserved in available vertebrate species. The in silico prediction for this alteration is inconclusive. Based on insufficient or conflicting evidence, the clinical significance of this alteration remains unclear.